The following is an entry in ClinVar:

NM_024407.5(NDUFS7):c.526G>A (p.Val176Met)

Gene: NDUFS7 (NADH:ubiquinone oxidoreductase core subunit S7; plus strand). Cytogenetic location: 19p13.3.
Variant type: single nucleotide variant.
Coding change: c.526G>A on transcript NM_024407.5 (MANE Select); coding-DNA position 526, G replaced by A.
Protein change: p.Val176Met; replaces valine 176 with methionine.
Molecular consequence: missense variant.
Genome position (GRCh38, 1-based): chr19:1,393,312, G>A. VCF-style: chr19-1393312-G-A. GRCh37 (hg19) VCF-style: chr19-1393311-G-A.
Other names: c.526G>A, p.Val176Met (NM_001363602.2); short protein forms V176M.
Identifiers: ClinVar variation 1916340 (VCV001916340.3), dbSNP rs763566432, ClinGen allele CA9043425.

ClinVar aggregate classification (germline): Uncertain significance (1 of 4 stars; one submission).

Allele frequency attached by ClinVar (database versions not stated): TOPMed below 0.00001; gnomAD 0.00001; ExAC 0.00006.
gnomAD v4.1: 11 of 1,584,300 alleles (0.00069%); highest among the groups gnomAD compares: South Asian, 0.0012%; no homozygotes.

Submission:

Labcorp Genetics (formerly Invitae), Labcorp
Classification: Uncertain significance. Last evaluated: 2024-04-17. Review status: criteria provided, single submitter. Criteria: Invitae Variant Classification Sherloc (09022015). Collection method: clinical testing. Allele origin: germline.
Comment: This sequence change replaces valine, which is neutral and non-polar, with methionine, which is neutral and non-polar, at codon 176 of the NDUFS7 protein (p.Val176Met). The frequency data for this variant in the population databases is considered unreliable, as metrics indicate poor data quality at this position in the gnomAD database. This variant has not been reported in the literature in individuals affected with NDUFS7-related conditions. ClinVar contains an entry for this variant (Variation ID: 1916340). An algorithm developed to predict the effect of missense changes on protein structure and function (PolyPhen-2) suggests that this variant is likely to be disruptive. In summary, the available evidence is currently insufficient to determine the role of this variant in disease. Therefore, it has been classified as a Variant of Uncertain Significance.